The following is an entry in ClinVar:

NM_033305.3(VPS13A):c.5715del (p.Lys1905fs)

Gene: VPS13A (vacuolar protein sorting 13 homolog A; plus strand). Cytogenetic location: 9q21.2.
Variant type: Deletion.
Coding change: c.5715del on transcript NM_033305.3 (MANE Select); coding-DNA position 5715, one base deleted (A; older notation c.5715delA).
Protein change: p.Lys1905fs; shifts the reading frame from lysine 1905.
Molecular consequence: frameshift variant.
Genome position (GRCh38, 1-based): chr9:77,321,631, A deleted; the last of 4 consecutive A bases (chr9:77,321,628-77,321,631); deleting any one gives the same sequence. VCF-style (leftmost placement, unchanged base first): chr9-77321627-CA-C. GRCh37 (hg19) VCF-style: chr9-79936543-CA-C.
Other names: c.5598del, p.Lys1866fs (NM_001018037.2); c.5715del, p.Lys1905fs (NM_001018038.3, NM_015186.4); short protein forms K1866fs, K1905fs.
Identifiers: ClinVar variation 5011660 (VCV005011660.1).
Genomic context (GRCh38, chr9:77,321,627, plus strand): 5'-TTGGACTTACTATTTCTGTTTCGCCAAGTGATTCTTTTAGTGTACTCAACATTCCTATGG[CA>C]AAATCATATGTATTGAAAAATGGAGAAAGTTTAAGTATGGATTATATCCGAACCAAGGAC-3'

ClinVar aggregate classification (germline): Pathogenic (1 of 4 stars; one submission).

Conditions:
VPS13A-related neurodegenerative disease. Also called: ACANTHOCYTOSIS WITH NEUROLOGIC DISORDER; LEVINE-CRITCHLEY SYNDROME; Choreoacanthocytosis; Chorea-acanthocytosis; Choreaacanthocytosis; VPS13A Disease. Identifiers: Orphanet 2388, MedGen C0393576, MONDO:0008695, OMIM 200150.

Submission:

Myriad Genetics, Inc.
Classification: Pathogenic for VPS13A-related neurodegenerative disease. Last evaluated: 2024-05-14. Review status: criteria provided, single submitter. Criteria: Myriad Autosomal Dominant, Autosomal Recessive and X-Linked Classification Criteria (2023). Collection method: clinical testing. Allele origin: unknown.
Comment: NM_033305.2(VPS13A):c.5715delA(K1905Nfs*5) is expected to be pathogenic in the context of VPS13A disease. This variant is predicted to lead to an abnormal or absent protein product due to the creation of a premature termination codon in VPS13A, a gene where loss-of-function variants are known to be pathogenic. Please note: this variant was assessed in the context of healthy population screening.